The following is an entry in ClinVar:

NM_015100.4(POGZ):c.3360dup (p.Met1121fs)

Gene: POGZ (pogo transposable element derived with ZNF domain; minus strand). Cytogenetic location: 1q21.3.
Variant type: Duplication.
Coding change: c.3360dup on transcript NM_015100.4 (MANE Select); coding-DNA position 3360, one base duplicated (T; older notation c.3360dupT).
Protein change: p.Met1121fs; shifts the reading frame from methionine 1121.
Molecular consequence: frameshift variant.
Genome position (GRCh38, 1-based): chr1:151,405,675, A duplicated on the plus strand (T on the coding strand, the reverse complement: POGZ is on the minus strand). VCF-style (leftmost placement, unchanged base first): chr1-151405674-T-TA. GRCh37 (hg19) VCF-style: chr1-151378150-T-TA.
Other names: c.3333dup, p.Met1112fs (NM_001194937.2); c.3174dup, p.Met1059fs (NM_001194938.2); c.3075dup, p.Met1026fs (NM_145796.4); c.3201dup, p.Met1068fs (NM_207171.2); short protein forms M1026fs, M1059fs, M1068fs, M1112fs, M1121fs.
Identifiers: ClinVar variation 976443 (VCV000976443.1), dbSNP rs1653455584, ClinGen allele CA1139656321.

ClinVar aggregate classification (germline): Pathogenic (0 of 4 stars; one submission).

Conditions:
Intellectual disability-microcephaly-strabismus-behavioral abnormalities syndrome. Also called: White-Sutton Syndrome. Identifiers: Orphanet 468678, MedGen C4225351, MONDO:0014606, OMIM 616364.

Submission:

Clinical Genomics Laboratory, Stanford Medicine
Classification: Pathogenic for Intellectual disability-microcephaly-strabismus-behavioral abnormalities syndrome. Last evaluated: 2019-03-28. Review status: no assertion criteria provided. Collection method: clinical testing. Allele origin: germline. Inheritance: Autosomal dominant inheritance. Affected: yes.
Comment: This variant was absent from large population databases, including the Genome Aggregation Database. The p.Met1121Tyrfs*6 variant results in a one base pair duplication, which causes a shift in the protein reading frame, leading to a premature termination codon 6 amino acids downstream. Premature termination at this location is not predicted to lead to nonsense-mediated decay. Other de novo truncating variants have been reported in association with disease in the literature, including several that are downstream of this p.Met1121Tyrfs*6 variant (Stessman et al., 2016). These data were assessed using the ACMG/AMP variant interpretation guidelines (Richards et al., 2015). In summary, the p.Met1121Tyrfs*6 is considered pathogenic. [ACMG evidence codes used: PVS1_Strong, PS2, PM2]